The following is an entry in ClinVar:

ClinVar aggregate classification (germline): Uncertain significance (1 of 4 stars; one submission).

Conditions:
Hereditary intrinsic factor deficiency (IFD). Also called: Congenital intrinsic factor deficiency; PERNICIOUS ANEMIA, CONGENITAL, DUE TO DEFECT OF INTRINSIC FACTOR. Identifiers: Orphanet 332, MedGen C2062370, MONDO:0009852, OMIM 261000.

Allele frequency attached by ClinVar (database versions not stated): gnomAD exomes below 0.00001; gnomAD 0.00001.
gnomAD v4.1: 3 of 1,609,744 alleles (0.00019%); highest among the groups gnomAD compares: Non-Finnish European, 0.000085%; no homozygotes.

Submission:

Labcorp Genetics (formerly Invitae), Labcorp
Classification: Uncertain significance for Hereditary intrinsic factor deficiency. Last evaluated: 2020-12-26. Review status: criteria provided, single submitter. Criteria: Invitae Variant Classification Sherloc (09022015). Collection method: clinical testing. Allele origin: germline.
Comment: In summary, the available evidence is currently insufficient to determine the role of this variant in disease. Therefore, it has been classified as a Variant of Uncertain Significance. Algorithms developed to predict the effect of missense changes on protein structure and function (SIFT, PolyPhen-2, Align-GVGD) all suggest that this variant is likely to be disruptive, but these predictions have not been confirmed by published functional studies and their clinical significance is uncertain. This variant has not been reported in the literature in individuals with GIF-related conditions. This variant is not present in population databases (ExAC no frequency). This sequence change replaces proline with arginine at codon 404 of the GIF protein (p.Pro404Arg). The proline residue is highly conserved and there is a moderate physicochemical difference between proline and arginine.

NM_005142.3(CBLIF):c.1211C>G (p.Pro404Arg)

Gene: CBLIF (cobalamin binding intrinsic factor; minus strand). Cytogenetic location: 11q12.1.
Variant type: single nucleotide variant.
Coding change: c.1211C>G on transcript NM_005142.3 (MANE Select); coding-DNA position 1211, C replaced by G.
Protein change: p.Pro404Arg; replaces proline 404 with arginine.
Molecular consequence: missense variant.
Genome position (GRCh38, 1-based): chr11:59,829,527, G>C on the plus strand (C>G on the coding strand, the complement: CBLIF is on the minus strand). VCF-style: chr11-59829527-G-C. GRCh37 (hg19) VCF-style: chr11-59597000-G-C.
Other names: short protein forms P404R.
Identifiers: ClinVar variation 1059830 (VCV001059830.5), dbSNP rs1460997213, ClinGen allele CA380802398.